The following is an entry in ClinVar:

ClinVar aggregate classification (germline): Conflicting classifications of pathogenicity. Review status: criteria provided, conflicting classifications (1 of 4 stars). 2 submissions from 2 submitters: Likely pathogenic (1); Uncertain significance (1). Last evaluated 2024-07-04.

Conditions:
Rauch-Steindl syndrome (RAUST). Identifiers: Orphanet 659642, MedGen C5562061, MONDO:0859219, OMIM 619695.
NSD2-related disorder. Also called: NSD2-related condition; NSD2 related disorders.

Allele frequency attached by ClinVar (database versions not stated): gnomAD exomes below 0.00001; TOPMed below 0.00001; gnomAD 0.00001.
gnomAD v4.1: 2 of 1,613,564 alleles (0.00012%); highest among the groups gnomAD compares: African/African-American, 0.0013%; no homozygotes.

Submissions (2):

Blueprint Genetics
Classification: Likely pathogenic for NSD2-related disorders. Last evaluated: 2024-07-04. Review status: criteria provided, single submitter. Criteria: ACMG Guidelines, 2015. Collection method: clinical testing. Allele origin: de novo. Affected: yes. Observed: 1 variant allele.

Victorian Clinical Genetics Services, Murdoch Childrens Research Institute
Classification: Uncertain significance for Rauch-Steindl syndrome. Last evaluated: 2023-07-17. Review status: criteria provided, single submitter. Criteria: ACMG Guidelines, 2015. Collection method: clinical testing. Allele origin: germline. Inheritance: Autosomal dominant inheritance. Affected: yes.
Comment: Based on the classification scheme VCGS_Germline_v1.3.4, this variant is classified as VUS-3B. Following criteria are met: 0103 - Loss of function and gain of function are known mechanisms of disease in this gene and are associated with Rauch-Steindl syndrome (MIM#619695) and a neurodevelopmental disorder, NSD2-related (MONDO:0700092), respectively. A single recurring missense variant with a gain of function mechanism has been reported to cause a more severe neurodevelopmental disorder, whereas loss of function missense variants and those resulting in a premature termination codon have been reported to cause Rauch-Steindl syndrome (PMID: 36189577, PMID: 33941880). (I) 0107 - This gene is associated with autosomal dominant disease. (I) 0200 - Variant is predicted to result in a missense amino acid change from arginine to glutamine. (I) 0251 - This variant is heterozygous. (I) 0302 - Variant is present in gnomAD (v3) <0.001 for a dominant condition (1 heterozygote, 0 homozygotes). (SP) 0502 - Missense variant with conflicting in silico predictions and uninformative conservation. (I) 0604 - Variant is not located in an established domain, motif, hotspot or informative constraint region. (I) 0705 - No comparable missense variants have previous evidence for pathogenicity. (I) 0807 - This variant has no previous evidence of pathogenicity. (I) 0905 - No published segregation evidence has been identified for this variant. (I) 1007 - No published functional evidence has been identified for this variant. (I) 1207 - Parental origin of the variant is unresolved. (I) Legend: (SP) - Supporting pathogenic, (I) - Information, (SB) - Supporting benign

Literature cited by the submitters: PubMed 33941880 (cited by Victorian Clinical Genetics Services, Murdoch Childrens Research Institute); PubMed 36189577 (cited by Victorian Clinical Genetics Services, Murdoch Childrens Research Institute).

NM_001042424.3(NSD2):c.1019G>A (p.Arg340Gln)

Gene: NSD2 (nuclear receptor binding SET domain protein 2; plus strand). Cytogenetic location: 4p16.3.
Variant type: single nucleotide variant.
Coding change: c.1019G>A on transcript NM_001042424.3 (MANE Select); coding-DNA position 1019, G replaced by A.
Protein change: p.Arg340Gln; replaces arginine 340 with glutamine.
Molecular consequence: missense variant.
Genome position (GRCh38, 1-based): chr4:1,918,232, G>A. VCF-style: chr4-1918232-G-A. GRCh37 (hg19) VCF-style: chr4-1919959-G-A.
Other names: c.1019G>A, p.Arg340Gln (NM_007331.2, NM_133330.3, NM_133331.3 and 2 more transcripts); short protein forms R340Q.
Identifiers: ClinVar variation 3254589 (VCV003254589.2), dbSNP rs1159806209.